The following is an entry in ClinVar:

ClinVar aggregate classification (germline): Uncertain significance (1 of 4 stars; one submission).

Conditions:
Stormorken syndrome (STRMK). Also called: THROMBOCYTOPATHY, ASPLENIA, AND MIOSIS. Identifiers: Orphanet 3204, MedGen C1861451, MONDO:0008497, OMIM 185070.
Combined immunodeficiency due to STIM1 deficiency. Also called: STIM1 DEFICIENCY; IMMUNODEFICIENCY 10. Identifiers: Orphanet 169090, Orphanet 317430, MedGen C2748557, MONDO:0013008, OMIM 612783.
Myopathy with tubular aggregates (TAM). Also called: Tubular Aggregate Myopathy. Identifiers: Orphanet 2593, MedGen C0410207, MONDO:0008051.

Allele frequency attached by ClinVar (database versions not stated): gnomAD exomes below 0.00001; ExAC 0.00001.

Submission:

Labcorp Genetics (formerly Invitae), Labcorp
Classification: Uncertain significance for Myopathy with tubular aggregates; Combined immunodeficiency due to STIM1 deficiency; Stormorken syndrome. Last evaluated: 2019-07-18. Review status: criteria provided, single submitter. Criteria: Invitae Variant Classification Sherloc (09022015). Collection method: clinical testing. Allele origin: germline.
Comment: This sequence change falls in intron 1 of the STIM1 gene. It does not directly change the encoded amino acid sequence of the STIM1 protein, but it affects a nucleotide within the consensus splice site of the intron. This variant is present in population databases (rs755753617, ExAC 0.002%). This variant has not been reported in the literature in individuals with STIM1-related conditions. Nucleotide substitutions within the consensus splice site are a relatively common cause of aberrant splicing (PMID: 17576681, 9536098). Algorithms developed to predict the effect of sequence changes on RNA splicing suggest that this variant is not likely to affect RNA splicing, but this prediction has not been confirmed by published transcriptional studies. In summary, the available evidence is currently insufficient to determine the role of this variant in disease. Therefore, it has been classified as a Variant of Uncertain Significance.

Literature cited by the submitters: PubMed 17576681; PubMed 9536098.

NM_001382567.1(STIM1):c.139+4A>G

Gene: STIM1 (stromal interaction molecule 1; plus strand). Cytogenetic location: 11p15.4.
Variant type: single nucleotide variant.
Coding change: c.139+4A>G on transcript NM_001382567.1 (MANE Select); 4 bases into the intron after coding-DNA position 139, A replaced by G.
Molecular consequence: intron variant.
Genome position (GRCh38, 1-based): chr11:3,856,413, A>G. VCF-style: chr11-3856413-A-G. GRCh37 (hg19) VCF-style: chr11-3877643-A-G.
Other names: c.-84+1677A>G (NM_001382578.1, NM_001382575.1, NM_001382574.1); c.-220+1677A>G (NM_001382580.1, NM_001382581.1); c.-84+1759A>G (NM_001382576.1); c.-84+997A>G (NM_001382566.1, NM_001382579.1, NM_001382577.1 and 1 more transcripts); c.139+4A>G (NM_001382568.1, NM_001277962.2, NM_003156.4 and 3 more transcripts); c.135+4A>G (NM_001382569.1); c.-99+4A>G (NM_001382571.1).
Identifiers: ClinVar variation 950049 (VCV000950049.8), dbSNP rs755753617, ClinGen allele CA5830127.